The following is an entry in ClinVar:

ClinVar aggregate classification (germline): Uncertain significance. Review status: criteria provided, multiple submitters, no conflicts (2 of 4 stars). 2 submissions from 2 submitters: Uncertain significance (2). Last evaluated 2024-02-08.

Conditions:
Inborn genetic diseases. Identifiers: MedGen C0950123, MeSH D030342.
Autosomal dominant Parkinson disease 8. Also called: LRRK2-Related Parkinson Disease; Parkinson disease 8; Parkinson disease 8, susceptibility to. Identifiers: Orphanet 411602, MedGen C1846862, MONDO:0011764, OMIM 607060.

Allele frequency attached by ClinVar (database versions not stated): gnomAD exomes below 0.00001; ExAC 0.00001.
gnomAD v4.1: 4 of 1,613,740 alleles (0.00025%); highest among the groups gnomAD compares: Non-Finnish European, 0.00025%; no homozygotes.

Submissions (2):

Labcorp Genetics (formerly Invitae), Labcorp
Classification: Uncertain significance for Autosomal dominant Parkinson disease 8. Last evaluated: 2024-02-08. Review status: criteria provided, single submitter. Criteria: Invitae Variant Classification Sherloc (09022015). Collection method: clinical testing. Allele origin: germline.
Comment: This sequence change replaces arginine, which is basic and polar, with glutamine, which is neutral and polar, at codon 1993 of the LRRK2 protein (p.Arg1993Gln). This variant is present in population databases (rs778918119, gnomAD 0.0009%). This missense change has been observed in individual(s) with Parkinson disease (PMID: 33640967). ClinVar contains an entry for this variant (Variation ID: 1750804). Advanced modeling of protein sequence and biophysical properties (such as structural, functional, and spatial information, amino acid conservation, physicochemical variation, residue mobility, and thermodynamic stability) has been performed at Invitae for this missense variant, however the output from this modeling did not meet the statistical confidence thresholds required to predict the impact of this variant on LRRK2 protein function. In summary, the available evidence is currently insufficient to determine the role of this variant in disease. Therefore, it has been classified as a Variant of Uncertain Significance.

Ambry Genetics
Classification: Uncertain significance for Inborn genetic diseases. Last evaluated: 2023-11-05. Review status: criteria provided, single submitter. Criteria: Ambry Variant Classification Scheme 2023. Collection method: clinical testing. Allele origin: germline.
Comment: The p.R1993Q variant (also known as c.5978G>A), located in coding exon 41 of the LRRK2 gene, results from a G to A substitution at nucleotide position 5978. The arginine at codon 1993 is replaced by glutamine, an amino acid with highly similar properties. This amino acid position is conserved. In addition, this alteration is predicted to be deleterious by in silico analysis. Since supporting evidence is limited at this time, the clinical significance of this alteration remains unclear.

Literature cited by the submitters: PubMed 33640967 (cited by Labcorp Genetics (formerly Invitae), Labcorp).

NM_198578.4(LRRK2):c.5978G>A (p.Arg1993Gln)

Gene: LRRK2 (leucine rich repeat kinase 2; plus strand). Cytogenetic location: 12q12.
Variant type: single nucleotide variant.
Coding change: c.5978G>A on transcript NM_198578.4 (MANE Select); coding-DNA position 5978, G replaced by A.
Protein change: p.Arg1993Gln; replaces arginine 1993 with glutamine.
Molecular consequence: missense variant.
Genome position (GRCh38, 1-based): chr12:40,340,323, G>A. VCF-style: chr12-40340323-G-A. GRCh37 (hg19) VCF-style: chr12-40734125-G-A.
Other names: short protein forms R1993Q.
Identifiers: ClinVar variation 1750804 (VCV001750804.4), dbSNP rs778918119, ClinGen allele CA6514588.